The following is an entry in ClinVar:

NM_022041.4(GAN):c.1436G>T (p.Arg479Leu)

Gene: GAN (gigaxonin; plus strand). Cytogenetic location: 16q23.2.
Variant type: single nucleotide variant.
Coding change: c.1436G>T on transcript NM_022041.4 (MANE Select); coding-DNA position 1436, G replaced by T.
Protein change: p.Arg479Leu; replaces arginine 479 with leucine.
Molecular consequence: missense variant.
Genome position (GRCh38, 1-based): chr16:81,365,412, G>T. VCF-style: chr16-81365412-G-T. GRCh37 (hg19) VCF-style: chr16-81399017-G-T.
Other names: p.Arg479Leu; c.797G>T, p.Arg266Leu (NM_001377486.1); short protein forms R266L, R479L.
Identifiers: ClinVar variation 3380402 (VCV003380402.1).

ClinVar aggregate classification (germline): Uncertain significance (1 of 4 stars; one submission).

Submission:

Mayo Clinic Laboratories, Mayo Clinic
Classification: Uncertain significance. Last evaluated: 2023-08-08. Review status: criteria provided, single submitter. Criteria: ACMG Guidelines, 2015. Collection method: clinical testing. Allele origin: germline. Observed: 1 variant allele.
Comment: PM2_moderate